The following continues an entry in ClinVar:

NM_000492.4(CFTR):c.3107C>A (p.Thr1036Asn)

ClinVar aggregate classification (germline): Pathogenic. Pathogenic (1).

Submissions 7 to 11 of 11:

Institute of Human Genetics, University of Leipzig Medical Center
Classification: Likely pathogenic for Cystic fibrosis. Last evaluated: 2022-09-05. Review status: criteria provided, single submitter. Criteria: ACMG Guidelines, 2015. Collection method: curation. Allele origin: unknown. Affected: yes. Observed: 1 variant allele. Not counted in ClinVar's aggregate classification.
Comment: The variant was classified in the context of a project re-classifying variants in the German Cystic Fibrosis Registry (Muko.e.V.). Criteria applied: PM2_SUP, PM3_STR, PM5, PP3

Ambry Genetics
Classification: Likely pathogenic for Cystic fibrosis. Last evaluated: 2021-10-15. Review status: criteria provided, single submitter. Criteria: Ambry Variant Classification Scheme 2023. Collection method: clinical testing. Allele origin: germline. Not counted in ClinVar's aggregate classification.
Comment: The p.T1036N variant (also known as c.3107C>A), located in coding exon 19 of the CFTR gene, results from a C to A substitution at nucleotide position 3107. The threonine at codon 1036 is replaced by asparagine, an amino acid with similar properties. This variant was reported in a homozygous individual with a classic presentation of cystic fibrosis (McGinniss MJ et al. Hum Genet, 2005 Dec;118:331-8). This variant was also reported in trans with p.F508del mutation in an individual with classic cystic fibrosis (Petrova NV et al. Genes (Basel), 2020 05;11:). Additionally, this variant has been reported in multiple individuals with an elevated sweat chloride level in The Clinical and Functional TRanslation of CFTR (CFTR2) database (available at CFTR2. Accessed 10/14/2021). This amino acid position is highly conserved in available vertebrate species. In addition, the in silico prediction for this alteration is inconclusive. Based on the majority of available evidence to date, this variant is likely to be pathogenic.

Mayo Clinic Laboratories, Mayo Clinic
Classification: Likely pathogenic. Last evaluated: 2021-09-02. Review status: criteria provided, single submitter. Criteria: ACMG Guidelines, 2015. Collection method: clinical testing. Allele origin: germline. Not counted in ClinVar's aggregate classification.
Comment: PM2, PM3_strong

Baylor Genetics
Classification: Pathogenic for Congenital bilateral aplasia of vas deferens from CFTR mutation; Cystic fibrosis. Review status: criteria provided, single submitter. Criteria: ACMG Guidelines, 2015. Collection method: clinical testing. Allele origin: germline. Not counted in ClinVar's aggregate classification.

ClinVar Staff, National Center for Biotechnology Information (NCBI)
No classification provided. Condition: CFTR-related disorders. Review status: no classification provided. Collection method: literature only. Allele origin: germline. Affected: yes. Not counted in ClinVar's aggregate classification.

Literature cited by the submitters: PubMed 16189704 (cited by 5 submitters); PubMed 27214204 (cited by 4 submitters); PubMed 32429104 (cited by 4 submitters); PubMed 17662673 (cited by Labcorp Genetics (formerly Invitae), Labcorp); PubMed 38388235 (cited by Natera, Inc.); PubMed 21416780 (cited by 3 submitters); PubMed 17272608 (cited by Women's Health and Genetics/Laboratory Corporation of America, LabCorp); PubMed 26574590 (cited by Women's Health and Genetics/Laboratory Corporation of America, LabCorp); PubMed 24687356 (cited by Mayo Clinic Laboratories, Mayo Clinic); PubMed 32227567 (cited by Mayo Clinic Laboratories, Mayo Clinic).